The following is an entry in ClinVar:

NM_001199563.2(POPDC1):c.351G>A (p.Pro117=)

Gene: POPDC1 (popeye domain cAMP effector 1; minus strand). Cytogenetic location: 6q21.
Variant type: single nucleotide variant.
Coding change: c.351G>A on transcript NM_001199563.2 (MANE Select); coding-DNA position 351, G replaced by A.
Protein change: p.Pro117=; no amino-acid change (proline 117 retained).
Molecular consequence: synonymous variant.
Genome position (GRCh38, 1-based): chr6:105,129,379, C>T on the plus strand (G>A on the coding strand, the complement: POPDC1 is on the minus strand). VCF-style: chr6-105129379-C-T. GRCh37 (hg19) VCF-style: chr6-105577254-C-T.
Other names: c.351G>A, p.Pro117= (NM_007073.4, NM_147147.4).
Identifiers: ClinVar variation 1810627 (VCV001810627.1), dbSNP rs537713492, ClinGen allele CA3941096.

ClinVar aggregate classification (germline): Uncertain significance (1 of 4 stars; one submission).

Allele frequency attached by ClinVar (database versions not stated): gnomAD 0.00001; gnomAD exomes 0.00001; TOPMed 0.00001; ExAC 0.00003; 1000 Genomes Project 30x 0.00016; 1000 Genomes Project 0.00020.
gnomAD v4.1: 23 of 1,600,874 alleles (0.0014%); highest among the groups gnomAD compares: South Asian, 0.0023%; no homozygotes.

Submission:

GeneDx
Classification: Uncertain significance. Last evaluated: 2022-07-07. Review status: criteria provided, single submitter. Criteria: GeneDx Variant Classification Process June 2021. Collection method: clinical testing. Allele origin: germline. Affected: yes.
Comment: Not observed at significant frequency in large population cohorts (gnomAD); In silico analysis supports a deleterious effect on splicing; Has not been previously published as pathogenic or benign to our knowledge